The following is an entry in ClinVar:

ClinVar aggregate classification (germline): Pathogenic (1 of 4 stars; one submission).

Submission:

Labcorp Genetics (formerly Invitae), Labcorp
Classification: Pathogenic. Last evaluated: 2024-11-19. Review status: criteria provided, single submitter. Criteria: Invitae Variant Classification Sherloc (09022015). Collection method: clinical testing. Allele origin: germline.
Comment: This sequence change creates a premature translational stop signal (p.Pro1267Trpfs*3) in the MCM3AP gene. It is expected to result in an absent or disrupted protein product. Loss-of-function variants in MCM3AP are known to be pathogenic (PMID: 28633435). This variant is not present in population databases (gnomAD no frequency). This variant has not been reported in the literature in individuals affected with MCM3AP-related conditions. For these reasons, this variant has been classified as Pathogenic.

Literature cited by the submitters: PubMed 28633435.

NM_003906.5(MCM3AP):c.3799_3808del (p.Pro1267fs)

Gene: MCM3AP (minichromosome maintenance complex component 3 associated protein; minus strand). Cytogenetic location: 21q22.3.
Variant type: Microsatellite.
Coding change: c.3799_3808del on transcript NM_003906.5 (MANE Select); coding-DNA positions 3799 to 3808, 10 bases deleted (CCCTGCTGCG; older notation c.3799_3808delCCCTGCTGCG).
Protein change: p.Pro1267fs; shifts the reading frame from proline 1267.
Molecular consequence: frameshift variant.
Genome position (GRCh38, 1-based): chr21:46,256,913-46,256,922, CGCAGCAGGG deleted on the plus strand (CCCTGCTGCG on the coding strand, the reverse complement: MCM3AP is on the minus strand); deleting any 10 consecutive bases within chr21:46,256,913-46,256,932 gives the same sequence; the c. name uses the placement nearest the transcript's 3' end. VCF-style (leftmost placement, unchanged base first): chr21-46256912-ACGCAGCAGGG-A. GRCh37 (hg19) VCF-style: chr21-47676826-ACGCAGCAGGG-A.
Other names: short protein forms P1267fs.
Identifiers: ClinVar variation 1441725 (VCV001441725.6), dbSNP rs1218260846, ClinGen allele CA749838936.